The following is an entry in ClinVar:

NM_001123385.2(BCOR):c.1912A>G (p.Ile638Val)

Gene: BCOR (BCL6 corepressor; minus strand). Cytogenetic location: Xp11.4.
Variant type: single nucleotide variant.
Coding change: c.1912A>G on transcript NM_001123385.2 (MANE Select); coding-DNA position 1912, A replaced by G.
Protein change: p.Ile638Val; replaces isoleucine 638 with valine.
Molecular consequence: missense variant.
Genome position (GRCh38, 1-based): chrX:40,073,434, T>C on the plus strand (A>G on the coding strand, the complement: BCOR is on the minus strand). VCF-style: chrX-40073434-T-C. GRCh37 (hg19) VCF-style: chrX-39932687-T-C.
Other names: c.1912A>G, p.Ile638Val (NM_001123383.2, NM_001123384.2, NM_017745.6); short protein forms I638V.
Identifiers: ClinVar variation 2791110 (VCV002791110.3), dbSNP rs2519987454, ClinGen allele CA412744111.

ClinVar aggregate classification (germline): Uncertain significance (1 of 4 stars; one submission).

Conditions:
Oculofaciocardiodental syndrome (MCOPS2). Identifiers: Orphanet 2712, MedGen C1846265, MONDO:0010261, OMIM 300166.

Allele frequency attached by ClinVar (database versions not stated): gnomAD exomes below 0.00001.
gnomAD v4.1: 2 of 1,212,226 alleles (0.00016%); highest among the groups gnomAD compares: East Asian, 0.003%; no homozygotes.

Submission:

Labcorp Genetics (formerly Invitae), Labcorp
Classification: Uncertain significance for Oculofaciocardiodental syndrome. Last evaluated: 2023-07-28. Review status: criteria provided, single submitter. Criteria: Invitae Variant Classification Sherloc (09022015). Collection method: clinical testing. Allele origin: germline.
Comment: In summary, the available evidence is currently insufficient to determine the role of this variant in disease. Therefore, it has been classified as a Variant of Uncertain Significance. An algorithm developed to predict the effect of missense changes on protein structure and function (PolyPhen-2) suggests that this variant is likely to be tolerated. This variant has not been reported in the literature in individuals affected with BCOR-related conditions. This variant is not present in population databases (gnomAD no frequency). This sequence change replaces isoleucine, which is neutral and non-polar, with valine, which is neutral and non-polar, at codon 638 of the BCOR protein (p.Ile638Val).